The following is an entry in ClinVar:

ClinVar aggregate classification (germline): Uncertain significance (1 of 4 stars; one submission).

Conditions:
Inborn genetic diseases. Identifiers: MedGen C0950123, MeSH D030342.

Allele frequency attached by ClinVar (database versions not stated): gnomAD 0.00002; TOPMed 0.00002; gnomAD exomes 0.00003; ExAC 0.00019.
gnomAD v4.1: 47 of 1,576,422 alleles (0.003%); highest among the groups gnomAD compares: Non-Finnish European, 0.0039%; no homozygotes.

Submission:

Ambry Genetics
Classification: Uncertain significance for Inborn genetic diseases. Last evaluated: 2020-02-11. Review status: criteria provided, single submitter. Criteria: Ambry Variant Classification Scheme 2023. Collection method: clinical testing. Allele origin: germline.
Comment: The p.H371L variant (also known as c.1112A>T), located in coding exon 15 of the NDRG1 gene, results from an A to T substitution at nucleotide position 1112. The histidine at codon 371 is replaced by leucine, an amino acid with similar properties. This amino acid position is poorly conserved in available vertebrate species. In addition, this alteration is predicted to be tolerated by in silico analysis. Since supporting evidence is limited at this time, the clinical significance of this alteration remains unclear.

NM_006096.4(NDRG1):c.1112A>T (p.His371Leu)

Gene: NDRG1 (N-myc downstream regulated 1; minus strand). Cytogenetic location: 8q24.22.
Variant type: single nucleotide variant.
Coding change: c.1112A>T on transcript NM_006096.4 (MANE Select); coding-DNA position 1112, A replaced by T.
Protein change: p.His371Leu; replaces histidine 371 with leucine.
Molecular consequence: missense variant.
Genome position (GRCh38, 1-based): chr8:133,238,951, T>A on the plus strand (A>T on the coding strand, the complement: NDRG1 is on the minus strand). VCF-style: chr8-133238951-T-A. GRCh37 (hg19) VCF-style: chr8-134251194-T-A.
Other names: c.1112A>T, p.His371Leu (NM_001135242.2, NM_001374845.1, NM_001374846.1); c.914A>T, p.His305Leu (NM_001258432.2, NM_001374847.1); c.869A>T, p.His290Leu (NM_001258433.2); c.1163A>T, p.His388Leu (NM_001374844.1); short protein forms H305L, H388L, H290L, H371L.
Identifiers: ClinVar variation 1795470 (VCV001795470.2), dbSNP rs759955688, ClinGen allele CA4886415.